The following is an entry in ClinVar:

NM_007294.4(BRCA1):c.4729T>G (p.Ser1577Ala)

Gene: BRCA1 (BRCA1 DNA repair associated; minus strand). Cytogenetic location: 17q21.31.
Variant type: single nucleotide variant.
Coding change: c.4729T>G on transcript NM_007294.4 (MANE Select); coding-DNA position 4729, T replaced by G.
Protein change: p.Ser1577Ala; replaces serine 1577 with alanine.
Molecular consequence: missense variant. On other transcripts: non-coding transcript variant (1).
Genome position (GRCh38, 1-based): chr17:43,071,185, A>C on the plus strand (T>G on the coding strand, the complement: BRCA1 is on the minus strand). VCF-style: chr17-43071185-A-C. GRCh37 (hg19) VCF-style: chr17-41223202-A-C.
Other names: c.4516T>G, p.Ser1506Ala (NM_001407571.1, NM_001407894.1, NM_001407895.1 and 12 more transcripts); c.4795T>G, p.Ser1599Ala (NM_001407581.1, NM_001407582.1); c.4792T>G, p.Ser1598Ala (NM_001407583.1, NM_001407585.1, NM_001407587.1 and 1 more transcripts); c.4789T>G, p.Ser1597Ala (NM_001407590.1, NM_001407591.1); c.4729T>G, p.Ser1577Ala (NM_001407593.1, NM_001407594.1, NM_001407596.1 and 8 more transcripts); c.4726T>G, p.Ser1576Ala (NM_001407610.1, NM_001407611.1, NM_001407612.1 and 17 more transcripts); c.4723T>G, p.Ser1575Ala (NM_001407627.1, NM_001407628.1, NM_001407629.1 and 14 more transcripts); c.4720T>G, p.Ser1574Ala (NM_001407644.1, NM_001407645.1); and 70 more; short protein forms S1530A, S1577A, S1598A, S473A, S1465A, S1466A, S1508A, S1510A.
Identifiers: ClinVar variation 981650 (VCV000981650.3), dbSNP rs80356909, ClinGen allele CA10592048.

ClinVar aggregate classification (germline): Uncertain significance (1 of 4 stars; one submission).

Conditions:
Ovarian cancer. Also called: OVARIAN CANCER, SOMATIC. Identifiers: Orphanet 213500, MedGen C1140680, MONDO:0008170, OMIM 167000.

Submission:

ACT Genomics,
Classification: Uncertain significance for Ovarian cancer. Last evaluated: 2020-10-19. Review status: criteria provided, single submitter. Criteria: ACMG Guidelines, 2015. Collection method: clinical testing. Allele origin: germline. Inheritance: Autosomal dominant inheritance. Affected: yes. Observed: 1 heterozygote.
Comment: The missense variant c.4729T>G (Ser1577Ala) is novel (not in any individuals) in gnomAD Exomes and 1000 Genomes. There is a moderate physicochemical difference between serine and alanine. The variant is predicted to be tolerated by both SIFT or PolyPhen2. For the insufficient evidences, this variant has been classified as variant of uncertain significance.